The following is an entry in ClinVar:

ClinVar aggregate classification (germline): Uncertain significance (1 of 4 stars; one submission).

Conditions:
Neuropathy, hereditary sensory and autonomic, type 2A (HSAN2A). Also called: HSAN IIA; WNK1-Related HSAN2 (HSAN2A); ACROOSTEOLYSIS, GIACCAI TYPE; ACROOSTEOLYSIS, NEUROGENIC; MORVAN DISEASE; NEUROPATHY, CONGENITAL SENSORY. Identifiers: Orphanet 970, MedGen C2752089, MONDO:0024309, OMIM 201300.
Generalized epilepsy with febrile seizures plus, type 7 (GEFSP7). Also called: GEFS+, TYPE 7. Identifiers: Orphanet 36387, MedGen C2751778, MONDO:0013470, OMIM 613863.

Submission:

Labcorp Genetics (formerly Invitae), Labcorp
Classification: Uncertain significance for Neuropathy, hereditary sensory and autonomic, type 2A; Generalized epilepsy with febrile seizures plus, type 7. Last evaluated: 2023-02-14. Review status: criteria provided, single submitter. Criteria: Invitae Variant Classification Sherloc (09022015). Collection method: clinical testing. Allele origin: germline.
Comment: In summary, the available evidence is currently insufficient to determine the role of this variant in disease. Therefore, it has been classified as a Variant of Uncertain Significance. Advanced modeling of protein sequence and biophysical properties (such as structural, functional, and spatial information, amino acid conservation, physicochemical variation, residue mobility, and thermodynamic stability) performed at Invitae indicates that this missense variant is not expected to disrupt SCN9A protein function. This variant has not been reported in the literature in individuals affected with SCN9A-related conditions. This variant is not present in population databases (gnomAD no frequency). This sequence change replaces aspartic acid, which is acidic and polar, with glutamic acid, which is acidic and polar, at codon 65 of the SCN9A protein (p.Asp65Glu).

NM_001365536.1(SCN9A):c.195C>G (p.Asp65Glu)

Gene: SCN9A (sodium voltage-gated channel alpha subunit 9; minus strand). Cytogenetic location: 2q24.3.
Variant type: single nucleotide variant.
Coding change: c.195C>G on transcript NM_001365536.1 (MANE Select); coding-DNA position 195, C replaced by G.
Protein change: p.Asp65Glu; replaces aspartic acid 65 with glutamic acid.
Molecular consequence: missense variant.
Genome position (GRCh38, 1-based): chr2:166,311,562, G>C on the plus strand (C>G on the coding strand, the complement: SCN9A is on the minus strand). VCF-style: chr2-166311562-G-C. GRCh37 (hg19) VCF-style: chr2-167168072-G-C.
Other names: c.195C>G, p.Asp65Glu (NM_002977.4); short protein forms D65E.
Identifiers: ClinVar variation 2945936 (VCV002945936.3), dbSNP rs2468154101, ClinGen allele CA349095900.